The following is an entry in ClinVar:

ClinVar aggregate classification (germline): Uncertain significance (1 of 4 stars; one submission).

Conditions:
Glycine encephalopathy. Also called: Non-ketotic hyperglycinemia; Nonketotic hyperglycinemia. Identifiers: Orphanet 407, MedGen C0751748, MONDO:0011612, HP:0008288.

Allele frequency attached by ClinVar (database versions not stated): TOPMed 0.00001; ExAC 0.00002; gnomAD 0.00002; gnomAD exomes 0.00002.
gnomAD v4.1: 36 of 1,607,038 alleles (0.0022%); highest among the groups gnomAD compares: Non-Finnish European, 0.0029%; no homozygotes.

Submission:

Labcorp Genetics (formerly Invitae), Labcorp
Classification: Uncertain significance for Glycine encephalopathy. Last evaluated: 2023-12-07. Review status: criteria provided, single submitter. Criteria: Invitae Variant Classification Sherloc (09022015). Collection method: clinical testing. Allele origin: germline.
Comment: This sequence change replaces asparagine, which is neutral and polar, with tyrosine, which is neutral and polar, at codon 413 of the GLDC protein (p.Asn413Tyr). This variant is present in population databases (rs749897689, gnomAD 0.003%). This variant has not been reported in the literature in individuals affected with GLDC-related conditions. ClinVar contains an entry for this variant (Variation ID: 2153540). Advanced modeling of protein sequence and biophysical properties (such as structural, functional, and spatial information, amino acid conservation, physicochemical variation, residue mobility, and thermodynamic stability) performed at Invitae indicates that this missense variant is not expected to disrupt GLDC protein function with a negative predictive value of 80%. In summary, the available evidence is currently insufficient to determine the role of this variant in disease. Therefore, it has been classified as a Variant of Uncertain Significance.

NM_000170.3(GLDC):c.1237A>T (p.Asn413Tyr)

Gene: GLDC (glycine decarboxylase; minus strand). Cytogenetic location: 9p24.1.
Variant type: single nucleotide variant.
Coding change: c.1237A>T on transcript NM_000170.3 (MANE Select); coding-DNA position 1237, A replaced by T.
Protein change: p.Asn413Tyr; replaces asparagine 413 with tyrosine.
Molecular consequence: missense variant.
Genome position (GRCh38, 1-based): chr9:6,595,038, T>A on the plus strand (A>T on the coding strand, the complement: GLDC is on the minus strand). VCF-style: chr9-6595038-T-A. GRCh37 (hg19) VCF-style: chr9-6595038-T-A.
Other names: short protein forms N413Y.
Identifiers: ClinVar variation 2153540 (VCV002153540.2), dbSNP rs749897689, ClinGen allele CA4980796.